The following is an entry in ClinVar:

ClinVar aggregate classification (germline): Uncertain significance (1 of 4 stars; one submission).

Conditions:
Developmental and epileptic encephalopathy, 8 (DEE8). Also called: HYPEREKPLEXIA AND EPILEPSY. Identifiers: Orphanet 163985, Orphanet 2076, MedGen C1845102, MONDO:0010375, OMIM 300607.

Submission:

Labcorp Genetics (formerly Invitae), Labcorp
Classification: Uncertain significance for Developmental and epileptic encephalopathy, 8. Last evaluated: 2023-11-18. Review status: criteria provided, single submitter. Criteria: Invitae Variant Classification Sherloc (09022015). Collection method: clinical testing. Allele origin: unknown.
Comment: This variant results in a copy number gain of the genomic region encompassing exon(s) 1-2 of the ARHGEF9 gene. This region includes the initiator codon of the gene. This copy number gain extends beyond the assayed region for this gene and therefore may encompass additional genes. As the precise location of this event is unknown, it may be in tandem or it may be located elsewhere in the genome. This variant has not been reported in the literature in individuals affected with ARHGEF9-related conditions. Experimental studies and prediction algorithms are not available or were not evaluated, and the functional significance of this variant is currently unknown. In summary, the available evidence is currently insufficient to determine the role of this variant in disease. Therefore, it has been classified as a Variant of Uncertain Significance.

NC_000023.10:g.(?_62944392)_(63005025_?)dup

Gene: ARHGEF9 (Cdc42 guanine nucleotide exchange factor 9; minus strand). Cytogenetic location: Xq11.1-11.2.
Variant type: Duplication.
Identifiers: ClinVar variation 3244618 (VCV003244618.1).